The following is an entry in ClinVar:

ClinVar aggregate classification (germline): Benign/Likely benign. Review status: criteria provided, multiple submitters, no conflicts (2 of 4 stars). 14 submissions from 14 submitters: Benign (2); Likely benign (8). 4 of the submissions do not count toward it. Last evaluated 2026-02-03.

Conditions:
Ehlers-Danlos syndrome, classic type, 1 (EDSCL1). Also called: Ehlers-Danlos syndrome, type 1; Ehlers-Danlos Syndrome, Classic Type, COL5A1-Related; EDS I; EHLERS-DANLOS SYNDROME, GRAVIS TYPE; EHLERS-DANLOS SYNDROME, SEVERE CLASSIC TYPE. Identifiers: MedGen C0268335, MONDO:0019567, OMIM 130000.
Ehlers-Danlos syndrome, classic type, 2 (EDSCL2). Also called: Ehlers-Danlos syndrome, type 2; Ehlers-Danlos syndrome type 2 (formerly); Ehlers-Danlos Syndrome, Classic Type, COL5A2-Related. Identifiers: Orphanet 287, Orphanet 90318, MedGen C0268336, MONDO:0019568, OMIM 130010.
Ehlers-Danlos syndrome (EDS). Identifiers: Orphanet 98249, MedGen C0013720, MONDO:0020066.
Familial thoracic aortic aneurysm and aortic dissection (TAAD). Also called: Thoracic aortic aneurysms and dissections. Identifiers: Orphanet 91387, MedGen C4707243, MONDO:0019625.

Allele frequency attached by ClinVar (database versions not stated): 1000 Genomes Project 30x 0.00016; 1000 Genomes Project 0.00020; ExAC 0.00032; gnomAD exomes 0.00040 and 0.00100; ESP Exome Variant Server 0.00054; gnomAD 0.00062 and 0.00065; TOPMed 0.00065.
gnomAD v4.1: 1,531 of 1,614,088 alleles (0.095%); highest among the groups gnomAD compares: Non-Finnish European, 0.12%; 1 homozygote.

Submissions (14):

Labcorp Genetics (formerly Invitae), Labcorp
Classification: Likely benign for Ehlers-Danlos syndrome, classic type, 1. Last evaluated: 2026-02-03. Review status: criteria provided, single submitter. Criteria: Invitae Variant Classification Sherloc (09022015). Collection method: clinical testing. Allele origin: germline.

Mayo Clinic Laboratories, Mayo Clinic
Classification: Likely benign. Last evaluated: 2025-07-30. Review status: criteria provided, single submitter. Criteria: ACMG Guidelines, 2015. Collection method: clinical testing. Allele origin: germline. Observed: 12 variant alleles.
Comment: BS1, BP4, BP7

Blueprint Genetics
Classification: Likely benign. Last evaluated: 2024-11-21. Review status: criteria provided, single submitter. Criteria: ACMG Guidelines, 2015. Collection method: clinical testing. Allele origin: germline.

ARUP Laboratories, Molecular Genetics and Genomics, ARUP Laboratories
Classification: Likely benign for Ehlers-Danlos syndrome, classic type, 2. Last evaluated: 2024-11-13. Review status: criteria provided, single submitter. Criteria: ARUP Molecular Germline Variant Investigation Process 2024. Collection method: clinical testing. Allele origin: germline.

Women's Health and Genetics/Laboratory Corporation of America, LabCorp
Classification: Benign. Last evaluated: 2023-08-24. Review status: criteria provided, single submitter. Criteria: LabCorp Variant Classification Summary - May 2015. Collection method: clinical testing. Allele origin: germline.

Genome Diagnostics Laboratory, The Hospital for Sick Children
Classification: Likely benign for Ehlers-Danlos syndrome. Last evaluated: 2021-11-29. Review status: criteria provided, single submitter. Criteria: ACMG Guidelines, 2015. Collection method: clinical testing. Allele origin: germline.

CeGaT Center for Human Genetics Tuebingen
Classification: Likely benign. Last evaluated: 2021-03-01. Review status: criteria provided, single submitter. Criteria: CeGaT Center For Human Genetics Tuebingen Variant Classification Criteria Version 2. Collection method: clinical testing. Allele origin: germline. Affected: yes. Observed: 1 variant allele.

Ambry Genetics
Classification: Likely benign for Familial thoracic aortic aneurysm and aortic dissection. Last evaluated: 2015-08-14. Review status: criteria provided, single submitter. Criteria: Ambry Variant Classification Scheme 2023. Collection method: clinical testing. Allele origin: germline.

GeneDx
Classification: Benign. Last evaluated: 2014-02-23. Review status: criteria provided, single submitter. Criteria: GeneDx Variant Classification (06012015). Collection method: clinical testing. Allele origin: germline. Affected: yes.
Comment: This variant is considered likely benign or benign based on one or more of the following criteria: it is a conservative change, it occurs at a poorly conserved position in the protein, it is predicted to be benign by multiple in silico algorithms, and/or has population frequency not consistent with disease.

Breakthrough Genomics
Classification: Likely benign. Review status: criteria provided, single submitter. Criteria: ACMG Guidelines, 2015. Collection method: not provided. Allele origin: germline. Inheritance: Autosomal dominant inheritance. Affected: yes.

Clinical Genetics DNA and cytogenetics Diagnostics Lab, Erasmus MC, Erasmus Medical Center
Classification: Likely benign. Review status: no assertion criteria provided. Collection method: clinical testing. Allele origin: germline. Affected: yes. Study: VKGL Data-share Consensus. Not counted in ClinVar's aggregate classification.

Genome Diagnostics Laboratory, Amsterdam University Medical Center
Classification: Benign. Review status: no assertion criteria provided. Collection method: clinical testing. Allele origin: germline. Affected: yes. Study: VKGL Data-share Consensus. Not counted in ClinVar's aggregate classification.

Genome Diagnostics Laboratory, University Medical Center Utrecht
Classification: Likely benign. Review status: no assertion criteria provided. Collection method: clinical testing. Allele origin: germline. Affected: yes. Study: VKGL Data-share Consensus. Not counted in ClinVar's aggregate classification.

Joint Genome Diagnostic Labs from Nijmegen and Maastricht, Radboudumc and MUMC+
Classification: Likely benign. Review status: no assertion criteria provided. Collection method: clinical testing. Allele origin: germline. Affected: yes. Study: VKGL Data-share Consensus. Not counted in ClinVar's aggregate classification.

NM_000393.5(COL5A2):c.3837T>C (p.Ile1279=)

Gene: COL5A2 (collagen type V alpha 2 chain; minus strand). Cytogenetic location: 2q32.2.
Variant type: single nucleotide variant.
Coding change: c.3837T>C on transcript NM_000393.5 (MANE Select); coding-DNA position 3837, T replaced by C.
Protein change: p.Ile1279=; no amino-acid change (isoleucine 1279 retained).
Molecular consequence: synonymous variant.
Genome position (GRCh38, 1-based): chr2:189,039,360, A>G on the plus strand (T>C on the coding strand, the complement: COL5A2 is on the minus strand). VCF-style: chr2-189039360-A-G. GRCh37 (hg19) VCF-style: chr2-189904086-A-G.
Other names: p.I1279I:ATT>ATC; p.Ile1279=; c.3837T>C (NM_000393.4).
Identifiers: ClinVar variation 136955 (VCV000136955.61), dbSNP rs148795690, ClinGen allele CA290397.